The following is an entry in ClinVar:

NM_001267550.2(TTN):c.1648G>T (p.Val550Leu)

Gene: TTN (titin; minus strand). Cytogenetic location: 2q31.2.
Variant type: single nucleotide variant.
Coding change: c.1648G>T on transcript NM_001267550.2 (MANE Select); coding-DNA position 1648, G replaced by T.
Protein change: p.Val550Leu; replaces valine 550 with leucine.
Molecular consequence: missense variant.
Genome position (GRCh38, 1-based): chr2:178,792,086, C>A on the plus strand (G>T on the coding strand, the complement: TTN is on the minus strand). VCF-style: chr2-178792086-C-A. GRCh37 (hg19) VCF-style: chr2-179656813-C-A.
Other names: c.1648G>T, p.Val550Leu (NM_133378.4, NM_001256850.1, NM_003319.4 and 3 more transcripts); short protein forms V550L.
Identifiers: ClinVar variation 192097 (VCV000192097.1), dbSNP rs759126894, ClinGen allele CA238339.
Genomic context (GRCh38, chr2:178,792,086, plus strand): 5'-GTGATATTGTCAACAAACTACAAAATATTTAGAAAATCAGACTTACTGCTTCTTGAGTTA[C>A]TTGTTTCTGTTTCTTAGTAATTTCTTCAGAAATTCTAGTTTCTTGTTCTTTGGCTTTAGC-3'
Protein context (NP_001254479.2, residues 540-560): SEEITKKQKQ[Val550Leu]TQEAIRQETE

ClinVar aggregate classification (germline): Uncertain significance (1 of 4 stars; one submission).

Allele frequency attached by ClinVar (database versions not stated): ExAC 0.00001.
gnomAD v4.1: 1 of 1,612,422 alleles (0.000062%); highest among the groups gnomAD compares: Non-Finnish European, 0.000085%; no homozygotes.

Submission:

Biesecker Lab/Clinical Genomics Section, National Institutes of Health
Classification: Uncertain significance. Last evaluated: 2013-06-24. Review status: criteria provided, single submitter. Criteria: Ng et al. (Circ Cardiovasc Genet. 2013). Collection method: research. Allele origin: unknown. Observed: 1 variant allele. Study: ClinSeq.
Comment: The study set was not selected for affection status in relation to any cancer. Pathogenicity categories were based on literature curation. See Pubmed ID:23861362 for details.

Medical sequencing